The following is an entry in ClinVar:

ClinVar aggregate classification (germline): Uncertain significance. Review status: criteria provided, multiple submitters, no conflicts (2 of 4 stars). 3 submissions from 3 submitters: Uncertain significance (3). Last evaluated 2022-06-29.

Conditions:
Diastrophic dysplasia (DTD). Also called: Diastrophic dwarfism. Identifiers: Orphanet 628, MedGen C0220726, MONDO:0009107, OMIM 222600.
Achondrogenesis, type IB (ACG1B). Also called: Achondrogenesis Type 1B. Identifiers: Orphanet 932, Orphanet 93298, MedGen C0265274, MONDO:0010966, OMIM 600972.
Multiple epiphyseal dysplasia type 4 (EDM4). Also called: Multiple Epiphyseal Dysplasia, Recessive; MULTIPLE EPIPHYSEAL DYSPLASIA WITH BILAYERED PATELLAE; MULTIPLE EPIPHYSEAL DYSPLASIA WITH CLUBFOOT; MULTIPLE EPIPHYSEAL DYSPLASIA, AUTOSOMAL RECESSIVE; SLC26A2-Related Multiple Epiphyseal Dysplasia. Identifiers: Orphanet 93307, MedGen C1847593, MONDO:0009189, OMIM 226900.
Atelosteogenesis type II (AO2). Also called: SLC26A2-Related Atelosteogenesis; NEONATAL OSSEOUS DYSPLASIA I; Neonatal osseous dysplasia 1. Identifiers: Orphanet 56304, MedGen C1850554, MONDO:0009727, OMIM 256050.
Connective tissue disorder. Also called: Connective tissue disease. Identifiers: MedGen C0009782, MONDO:0003900.

Allele frequency attached by ClinVar (database versions not stated): TOPMed 0.00009; ESP Exome Variant Server 0.00015; ExAC 0.00004; gnomAD exomes 0.00005 and 0.00016; gnomAD 0.00009; 1000 Genomes Project 30x 0.00016.
gnomAD v4.1: 244 of 1,614,122 alleles (0.015%); highest among the groups gnomAD compares: Non-Finnish European, 0.019%; no homozygotes.

Submissions (3):

Labcorp Genetics (formerly Invitae), Labcorp
Classification: Uncertain significance for Atelosteogenesis type II; Multiple epiphyseal dysplasia type 4; Achondrogenesis, type IB; Diastrophic dysplasia. Last evaluated: 2022-06-29. Review status: criteria provided, single submitter. Criteria: Invitae Variant Classification Sherloc (09022015). Collection method: clinical testing. Allele origin: germline.
Comment: This sequence change replaces arginine, which is basic and polar, with histidine, which is basic and polar, at codon 496 of the SLC26A2 protein (p.Arg496His). This variant is present in population databases (rs150314895, gnomAD 0.01%). This variant has not been reported in the literature in individuals affected with SLC26A2-related conditions. Advanced modeling of protein sequence and biophysical properties (such as structural, functional, and spatial information, amino acid conservation, physicochemical variation, residue mobility, and thermodynamic stability) performed at Invitae indicates that this missense variant is not expected to disrupt SLC26A2 protein function. In summary, the available evidence is currently insufficient to determine the role of this variant in disease. Therefore, it has been classified as a Variant of Uncertain Significance.

Department of Pathology and Laboratory Medicine, Sinai Health System
Classification: Uncertain significance for Diastrophic dysplasia; Multiple epiphyseal dysplasia type 4; Atelosteogenesis type II; Achondrogenesis, type IB. Last evaluated: 2021-07-30. Review status: criteria provided, single submitter. Criteria: ACMG Guidelines, 2015. Collection method: research. Allele origin: germline.

Genome Diagnostics Laboratory, The Hospital for Sick Children
Classification: Uncertain significance for Connective tissue disorder. Last evaluated: 2020-03-01. Review status: criteria provided, single submitter. Criteria: ACMG Guidelines, 2015. Collection method: clinical testing. Allele origin: germline.

NM_000112.4(SLC26A2):c.1487G>A (p.Arg496His)

Gene: SLC26A2 (solute carrier family 26 member 2; plus strand). Cytogenetic location: 5q32.
Variant type: single nucleotide variant.
Coding change: c.1487G>A on transcript NM_000112.4 (MANE Select); coding-DNA position 1487, G replaced by A.
Protein change: p.Arg496His; replaces arginine 496 with histidine.
Molecular consequence: missense variant.
Genome position (GRCh38, 1-based): chr5:149,981,080, G>A. VCF-style: chr5-149981080-G-A. GRCh37 (hg19) VCF-style: chr5-149360643-G-A.
Other names: short protein forms R496H.
Identifiers: ClinVar variation 1702484 (VCV001702484.6), dbSNP rs150314895, ClinGen allele CA3505448.
Genomic context (GRCh38, chr5:149,981,080, plus strand): 5'-ATTCCCTTCAAAAAAGTGTCCTTGGTGTGATCACAATTGTAAATCTACGGGGAGCCCTTC[G>A]TAAATTTAGGGATCTTCCCAAAATGTGGAGTATTAGTAGAATGGATACAGTTATCTGGTT-3'
Protein context (NP_000103.2, residues 486-506): ITIVNLRGAL[Arg496His]KFRDLPKMWS